The following is an entry in ClinVar:

NM_003070.5(SMARCA2):c.3476G>A (p.Arg1159Gln)

Gene: SMARCA2 (SWI/SNF related BAF chromatin remodeling complex subunit ATPase 2; plus strand). Cytogenetic location: 9p24.3.
Variant type: single nucleotide variant.
Coding change: c.3476G>A on transcript NM_003070.5 (MANE Select); coding-DNA position 3476, G replaced by A.
Protein change: p.Arg1159Gln; replaces arginine 1159 with glutamine.
Molecular consequence: missense variant.
Genome position (GRCh38, 1-based): chr9:2,115,841, G>A. VCF-style: chr9-2115841-G-A. GRCh37 (hg19) VCF-style: chr9-2115841-G-A.
Other names: c.3476G>A, p.Arg1159Gln (NM_001289396.2, NM_139045.4); c.3302G>A, p.Arg1101Gln (NM_001289397.2); short protein forms R1159Q, R1101Q.
Identifiers: ClinVar variation 30010 (VCV000030010.9), dbSNP rs281875187, ClinGen allele CA211263.

ClinVar aggregate classification (germline): Pathogenic/Likely pathogenic. Review status: criteria provided, multiple submitters, no conflicts (2 of 4 stars). 6 submissions from 6 submitters: Pathogenic (3); Likely pathogenic (1). 2 of the submissions do not count toward it. Last evaluated 2024-04-28.

Conditions:
SMARCA2-related BAFopathy.
Nicolaides-Baraitser syndrome (NCBRS). Also called: Intellectual disability-sparse hair-brachydactyly syndrome; SMARCA2-Related Nicolaides-Baraitser Syndrome. Identifiers: Orphanet 3051, MedGen C1303073, MONDO:0011053, OMIM 601358.

Submissions (6):

GeneDx
Classification: Pathogenic. Last evaluated: 2024-04-28. Review status: criteria provided, single submitter. Criteria: GeneDx Variant Classification Process June 2021. Collection method: clinical testing. Allele origin: germline. Affected: yes.
Comment: Published functional studies demonstrate impaired differentiation of neural progenitor cells and inappropriate enhancer reorganization (PMID: 31375262); Not observed at significant frequency in large population cohorts (gnomAD); In silico analysis supports that this missense variant has a deleterious effect on protein structure/function; This variant is associated with the following publications: (PMID: 24090879, 35811451, 22366787, 31375262)

Baylor Genetics
Classification: Pathogenic for SMARCA2-related BAFopathy. Last evaluated: 2021-06-10. Review status: criteria provided, single submitter. Criteria: ACMG Guidelines, 2015. Collection method: clinical testing. Allele origin: de novo. Affected: yes.

Revvity Omics, Revvity
Classification: Likely pathogenic. Last evaluated: 2020-03-24. Review status: criteria provided, single submitter. Criteria: ACMG Guidelines, 2015. Collection method: clinical testing. Allele origin: germline.

Institute of Human Genetics, University of Leipzig Medical Center
Classification: Pathogenic for Nicolaides-Baraitser syndrome. Last evaluated: 2019-01-01. Review status: criteria provided, single submitter. Criteria: ACMG Guidelines, 2015. Collection method: clinical testing. Allele origin: unknown. Affected: yes.

OMIM
Classification: Pathogenic for NICOLAIDES-BARAITSER SYNDROME. Last evaluated: 2012-02-26. Review status: no assertion criteria provided. Collection method: literature only. Allele origin: germline. Not counted in ClinVar's aggregate classification.

UniProtKB/Swiss-Prot
No classification provided. Review status: no classification provided. Collection method: not provided. Allele origin: not provided. Not counted in ClinVar's aggregate classification.

Literature cited by the submitters: PubMed 22366787 (cited by OMIM).